The following is an entry in ClinVar:

NM_181523.3(PIK3R1):c.563G>A (p.Arg188His)

Gene: PIK3R1 (phosphoinositide-3-kinase regulatory subunit 1; plus strand). Cytogenetic location: 5q13.1.
Variant type: single nucleotide variant.
Coding change: c.563G>A on transcript NM_181523.3 (MANE Select); coding-DNA position 563, G replaced by A.
Protein change: p.Arg188His; replaces arginine 188 with histidine.
Molecular consequence: missense variant.
Genome position (GRCh38, 1-based): chr5:68,279,662, G>A. VCF-style: chr5-68279662-G-A. GRCh37 (hg19) VCF-style: chr5-67575490-G-A.
Other names: short protein forms R188H.
Identifiers: ClinVar variation 624051 (VCV000624051.57), dbSNP rs148059720, ClinGen allele CA3290075.
Genomic context (GRCh38, chr5:68,279,662, plus strand): 5'-ATACACCCTCCGTGGACTTGGAAATGATCGATGTGCACGTTTTGGCTGACGCTTTCAAAC[G>A]CTATCTCCTGGACTTACCAAATCCTGTCATTCCAGCAGCCGTTTACAGTGAAATGATTTC-3'
Protein context (NP_852664.1, residues 178-198): DVHVLADAFK[Arg188His]YLLDLPNPVI

ClinVar aggregate classification (germline): Uncertain significance. Review status: criteria provided, multiple submitters, no conflicts (2 of 4 stars). 6 submissions from 6 submitters: Uncertain significance (5). 1 of the submissions does not count toward it. Last evaluated 2026-04-13.

Conditions:
PIK3R1-related disorder. Also called: PIK3R1-related condition.
Activated PI3K-delta syndrome. Identifiers: Orphanet 397596, MedGen C3714976, MONDO:0018338.
SHORT syndrome. Also called: LIPODYSTROPHY, PARTIAL, WITH RIEGER ANOMALY AND SHORT STATURE; SHORT STATURE, HYPEREXTENSIBILITY, HERNIA, OCULAR DEPRESSION, RIEGER ANOMALY, AND TEETHING DELAY; PIK3R1-Related SHORT Syndrome. Identifiers: Orphanet 3163, MedGen C0878684, MONDO:0010026, OMIM 269880.
Agammaglobulinemia 7, autosomal recessive (AGM7). Also called: AGAMMAGLOBULINEMIA, AUTOSOMAL RECESSIVE, DUE TO PIK3R1 DEFECT. Identifiers: MedGen C3554689, MONDO:0014083, OMIM 615214.
Immunodeficiency 36 with lymphoproliferation. Also called: ACTIVATED PI3K-DELTA SYNDROME 2; Activated PI3K Delta Syndrome Type 2 (APDS2); Immunodeficiency 36. Identifiers: Orphanet 397596, Orphanet 693681, MedGen C4014934, MONDO:0014453, OMIM 616005.

Allele frequency attached by ClinVar (database versions not stated): TOPMed 0.00010; ExAC 0.00013; gnomAD exomes 0.00014; ESP Exome Variant Server 0.00015; gnomAD 0.00019; 1000 Genomes Project 0.00040; 1000 Genomes Project 30x 0.00047.

Submissions (6):

PreventionGenetics, part of Exact Sciences
Classification: Uncertain significance for PIK3R1-related condition. Last evaluated: 2026-04-13. Review status: criteria provided, single submitter. Criteria: ACMG Guidelines, 2015. Collection method: clinical testing. Allele origin: germline.
Comment: The PIK3R1 c.563G>A variant is predicted to result in the amino acid substitution p.Arg188His. To our knowledge, this variant has not been reported in the literature. This variant is reported in 0.025% of alleles in individuals of European (Non-Finnish) descent in gnomAD. At this time, the clinical significance of this variant is uncertain due to the absence of conclusive functional and genetic evidence.

Labcorp Genetics (formerly Invitae), Labcorp
Classification: Uncertain significance for SHORT syndrome; Immunodeficiency 36 with lymphoproliferation; Agammaglobulinemia 7, autosomal recessive. Last evaluated: 2026-01-27. Review status: criteria provided, single submitter. Criteria: Invitae Variant Classification Sherloc (09022015). Collection method: clinical testing. Allele origin: germline.
Comment: This sequence change replaces arginine, which is basic and polar, with histidine, which is basic and polar, at codon 188 of the PIK3R1 protein (p.Arg188His). This variant is present in population databases (rs148059720, gnomAD 0.03%). This variant has not been reported in the literature in individuals affected with PIK3R1-related conditions. ClinVar contains an entry for this variant (Variation ID: 624051). An algorithm developed to predict the effect of missense changes on protein structure and function (PolyPhen-2) suggests that this variant is likely to be disruptive. In summary, the available evidence is currently insufficient to determine the role of this variant in disease. Therefore, it has been classified as a Variant of Uncertain Significance.

Blueprint Genetics
Classification: Uncertain significance. Last evaluated: 2024-10-22. Review status: criteria provided, single submitter. Criteria: ACMG Guidelines, 2015. Collection method: clinical testing. Allele origin: germline.

CeGaT Center for Human Genetics Tuebingen
Classification: Uncertain significance. Last evaluated: 2022-04-01. Review status: criteria provided, single submitter. Criteria: CeGaT Center For Human Genetics Tuebingen Variant Classification Criteria Version 2. Collection method: clinical testing. Allele origin: germline. Affected: yes. Observed: 2 variant alleles.

Mayo Clinic Laboratories, Mayo Clinic
Classification: Uncertain significance. Last evaluated: 2020-06-24. Review status: criteria provided, single submitter. Criteria: ACMG Guidelines, 2015. Collection method: clinical testing. Allele origin: germline. Observed: 2 variant alleles.

Rarefied Biosciences Lab
Classification: Likely benign for Activated PI3K-delta syndrome. Review status: no assertion criteria provided. Collection method: research. Allele origin: germline, not applicable. Affected: yes. Functional consequence: gain_of_function_variant. Not counted in ClinVar's aggregate classification.
Comment: PIK3R1 c.563G>A (p.Arg188His) variant results in a missense substitution of arginine to histidine at codon 188. This residue is moderately conserved, with a phyloP100 score of 6.107, but the substitution does not occur within a known critical functional domain of PIK3R1. The variant is present in gnomAD at an allele frequency of 0.0001353, which is higher than expected for a pathogenic variant in a rare disease context and is more consistent with a benign polymorphism. Functional immune profiling demonstrated T follicular helper (TFH) cells at 2.29%, which is lower than control levels, and transitional B cells at 7.36%, which falls within the normal range, suggesting no significant immune dysregulation. Additionally, no aberrant activation of the mTOR signaling pathway was observed, indicating that PI3K signaling remains unaffected. Computational predictive tools support a benign classification, with an AlphaMissense score of 0.09399 (Benign Moderate) and a SIFT score of 0.08 (Benign Supporting). No publications have associated this variant with disease. Given the absence of functional impact, normal immune parameters, lack of mTOR activation, and benign computational predictions, PIK3R1 c.563G>A (p.Arg188His) is best classified as Likely Benign

Literature cited by the submitters: PubMed 31031754 (cited by Rarefied Biosciences Lab).